The following is an entry in ClinVar:

ClinVar aggregate classification (germline): Uncertain significance. Review status: criteria provided, multiple submitters, no conflicts (2 of 4 stars). 2 submissions from 2 submitters: Uncertain significance (2). Last evaluated 2025-07-13.

Conditions:
Mitochondrial complex II deficiency, nuclear type 1. Also called: SUCCINATE CoQ REDUCTASE DEFICIENCY. Identifiers: Orphanet 3208, MedGen C5700310, MONDO:0100294, OMIM 252011.
Pheochromocytoma/paraganglioma syndrome 5. Also called: Paragangliomas 5; SDHA-Related Hereditary Paraganglioma-Pheochromocytoma Syndrome. Identifiers: Orphanet 29072, MedGen C3279992, MONDO:0013602, OMIM 614165.
Hereditary cancer-predisposing syndrome. Also called: Neoplastic Syndromes, Hereditary; Tumor predisposition; Hereditary Cancer Syndrome; Hereditary neoplastic syndrome. Identifiers: Orphanet 140162, MedGen C0027672, MeSH D009386, MONDO:0015356.

Submissions (2):

Labcorp Genetics (formerly Invitae), Labcorp
Classification: Uncertain significance for Pheochromocytoma/paraganglioma syndrome 5; Mitochondrial complex II deficiency, nuclear type 1. Last evaluated: 2025-07-13. Review status: criteria provided, single submitter. Criteria: Invitae Variant Classification Sherloc (09022015). Collection method: clinical testing. Allele origin: germline.
Comment: This sequence change replaces glutamine, which is neutral and polar, with arginine, which is basic and polar, at codon 54 of the SDHA protein (p.Gln54Arg). This variant is not present in population databases (gnomAD no frequency). This variant has not been reported in the literature in individuals affected with SDHA-related conditions. ClinVar contains an entry for this variant (Variation ID: 2933626). Invitae Evidence Modeling of protein sequence and biophysical properties (such as structural, functional, and spatial information, amino acid conservation, physicochemical variation, residue mobility, and thermodynamic stability) indicates that this missense variant is not expected to disrupt SDHA protein function with a negative predictive value of 95%. In summary, the available evidence is currently insufficient to determine the role of this variant in disease. Therefore, it has been classified as a Variant of Uncertain Significance.

Ambry Genetics
Classification: Uncertain significance for Hereditary cancer-predisposing syndrome. Last evaluated: 2024-05-04. Review status: criteria provided, single submitter. Criteria: Ambry Variant Classification Scheme 2023. Collection method: clinical testing. Allele origin: germline.
Comment: The p.Q54R variant (also known as c.161A>G), located in coding exon 3 of the SDHA gene, results from an A to G substitution at nucleotide position 161. The glutamine at codon 54 is replaced by arginine, an amino acid with highly similar properties. This amino acid position is conserved. In addition, the in silico prediction for this alteration is inconclusive. Based on the available evidence, the clinical significance of this variant remains unclear.

NM_004168.4(SDHA):c.161A>G (p.Gln54Arg)

Gene: SDHA (succinate dehydrogenase complex flavoprotein subunit A; plus strand). Cytogenetic location: 5p15.33.
Variant type: single nucleotide variant.
Coding change: c.161A>G on transcript NM_004168.4 (MANE Select); coding-DNA position 161, A replaced by G.
Protein change: p.Gln54Arg; replaces glutamine 54 with arginine.
Molecular consequence: missense variant.
Genome position (GRCh38, 1-based): chr5:224,370, A>G. VCF-style: chr5-224370-A-G. GRCh37 (hg19) VCF-style: chr5-224485-A-G.
Other names: c.161A>G, p.Gln54Arg (NM_001294332.2, NM_001330758.2); c.161A>G (NM_004168.2); short protein forms Q54R.
Identifiers: ClinVar variation 2933626 (VCV002933626.4), dbSNP rs2477285333, ClinGen allele CA359008388.